The following is an entry in ClinVar:

NM_000465.4(BARD1):c.1069del (p.Ile357fs)

Gene: BARD1 (BRCA1 associated RING domain 1; minus strand). Cytogenetic location: 2q35.
Variant type: Deletion.
Coding change: c.1069del on transcript NM_000465.4 (MANE Select); coding-DNA position 1069, one base deleted (A; older notation c.1069delA).
Protein change: p.Ile357fs; shifts the reading frame from isoleucine 357.
Molecular consequence: frameshift variant. On other transcripts: non-coding transcript variant (2), intron variant (3).
Genome position (GRCh38, 1-based): chr2:214,780,805, T deleted on the plus strand (A on the coding strand, the reverse complement: BARD1 is on the minus strand). VCF-style (leftmost placement, unchanged base first): chr2-214780804-AT-A. GRCh37 (hg19) VCF-style: chr2-215645528-AT-A.
Other names: c.1012del, p.Ile338fs (NM_001282543.2); c.159-28250del (NM_001282548.2); c.215+16256del (NM_001282545.2); c.364+11492del (NM_001282549.2); short protein forms I338fs, I357fs.
Identifiers: ClinVar variation 2583680 (VCV002583680.2), dbSNP rs2469504219, ClinGen allele CA2582342104.

ClinVar aggregate classification (germline): Pathogenic (1 of 4 stars; one submission).

Conditions:
Familial cancer of breast. Also called: Hereditary breast cancer; BREAST CANCER, FAMILIAL; hereditary breast carcinoma. Identifiers: Orphanet 227535, MedGen C0346153, MONDO:0016419, OMIM 114480. Disease mechanism: loss of function.

Submission:

Myriad Genetics, Inc.
Classification: Pathogenic for Familial cancer of breast. Last evaluated: 2023-05-22. Review status: criteria provided, single submitter. Criteria: Myriad Autosomal Dominant, Autosomal Recessive and X-Linked Classification Criteria (2023). Collection method: clinical testing. Allele origin: unknown.
Comment: This variant is considered pathogenic. This variant creates a frameshift predicted to result in premature protein truncation.